The following is an entry in ClinVar:

NM_172107.4(KCNQ2):c.632T>C (p.Met211Thr)

Gene: KCNQ2 (potassium voltage-gated channel subfamily Q member 2; minus strand). Cytogenetic location: 20q13.33.
Variant type: single nucleotide variant.
Coding change: c.632T>C on transcript NM_172107.4 (MANE Select); coding-DNA position 632, T replaced by C.
Protein change: p.Met211Thr; replaces methionine 211 with threonine.
Molecular consequence: missense variant.
Genome position (GRCh38, 1-based): chr20:63,444,717, A>G on the plus strand (T>C on the coding strand, the complement: KCNQ2 is on the minus strand). VCF-style: chr20-63444717-A-G. GRCh37 (hg19) VCF-style: chr20-62076070-A-G.
Other names: c.632T>C, p.Met211Thr (NM_001382235.1, NM_004518.6, NM_172106.3 and 2 more transcripts); short protein forms M211T.
Identifiers: ClinVar variation 3776183 (VCV003776183.7).
Genomic context (GRCh38, chr20:63,444,717, plus strand): 5'-ACCTTGCTGTGGGCATAGACCACAGAGCCCAGCAGCTTCCAGGTGCCTCCCCGCCGGTCC[A>G]TGCGGATCATCCGCAGAATCTGCAGGAAGCGCAGGCTCCGGAGCGCAGATGTGGCAAAGA-3'
Protein context (NP_742105.1, residues 201-221): RFLQILRMIR[Met211Thr]DRRGGTWKLL

ClinVar aggregate classification (germline): Pathogenic/Likely pathogenic. Review status: criteria provided, multiple submitters, no conflicts (2 of 4 stars). 2 submissions from 2 submitters: Pathogenic (1); Likely pathogenic (1). Last evaluated 2025-11-01.

Conditions:
Developmental and epileptic encephalopathy, 7 (DEE7). Also called: Early infantile epileptic encephalopathy 7; KCNQ2-Related Neonatal Epileptic Encephalopathy; KCNQ2-Related Neonatal-Onset Developmental and Epileptic Encephalopathy (NEO-DEE). Identifiers: Orphanet 439218, MedGen C3150986, MONDO:0013387, OMIM 613720.

Submissions (2):

CeGaT Center for Human Genetics Tuebingen
Classification: Pathogenic. Last evaluated: 2025-11-01. Review status: criteria provided, single submitter. Criteria: CeGaT Center For Human Genetics Tuebingen Variant Classification Criteria Version 2. Collection method: clinical testing. Allele origin: germline. Affected: yes. Observed: 1 variant allele.
Comment: KCNQ2: PM1, PM2, PM5, PS2:Moderate, PP2, PP3

3billion
Classification: Likely pathogenic for Developmental and epileptic encephalopathy, 7. Last evaluated: 2023-09-26. Review status: criteria provided, single submitter. Criteria: ACMG Guidelines, 2015. Collection method: clinical testing. Allele origin: germline. Affected: yes.
Comment: The variant is not observed in the gnomAD v2.1.1 dataset. Predicted Consequence/Location: The variant is located in a mutational hot spot and/or well-established functional domain in which established pathogenic variants have been reported. Missense changes are a common disease-causing mechanism. In silico tool predictions suggest damaging effect of the variant on gene or gene product [REVEL: 0.96 (>=0.6, sensitivity 0.68 and specificity 0.92); 3Cnet: 0.99 (>=0.6, sensitivity 0.72 and precision 0.9)]. A different missense change at the same codon (p.Met211Val) has been reported as pathogenic/likely pathogenic with strong evidence (ClinVar ID: VCV000392705). Therefore, this variant is classified as Likely pathogenic according to the recommendation of ACMG/AMP guideline.